The following is an entry in ClinVar:

ClinVar aggregate classification (germline): Uncertain significance (1 of 4 stars; one submission).

gnomAD v4.1: 1 of 1,613,436 alleles (0.000062%); no homozygotes.

Submission:

Labcorp Genetics (formerly Invitae), Labcorp
Classification: Uncertain significance. Last evaluated: 2022-08-09. Review status: criteria provided, single submitter. Criteria: Invitae Variant Classification Sherloc (09022015). Collection method: clinical testing. Allele origin: germline.
Comment: This sequence change replaces glutamic acid, which is acidic and polar, with lysine, which is basic and polar, at codon 243 of the SIX6 protein (p.Glu243Lys). This variant is not present in population databases (gnomAD no frequency). This variant has not been reported in the literature in individuals affected with SIX6-related conditions. Algorithms developed to predict the effect of missense changes on protein structure and function are either unavailable or do not agree on the potential impact of this missense change (SIFT: "Deleterious"; PolyPhen-2: "Possibly Damaging"; Align-GVGD: "Class C15"). In summary, the available evidence is currently insufficient to determine the role of this variant in disease. Therefore, it has been classified as a Variant of Uncertain Significance.

NM_007374.3(SIX6):c.727G>A (p.Glu243Lys)

Genes: C14orf39 (chromosome 14 open reading frame 39; minus strand), SIX6 (SIX homeobox 6; plus strand). Cytogenetic location: 14q23.1.
Variant type: single nucleotide variant.
Coding change: c.727G>A on transcript NM_007374.3 (MANE Select); coding-DNA position 727, G replaced by A.
Protein change: p.Glu243Lys; replaces glutamic acid 243 with lysine.
Molecular consequence: missense variant.
Genome position (GRCh38, 1-based): chr14:60,511,238, G>A. VCF-style: chr14-60511238-G-A. GRCh37 (hg19) VCF-style: chr14-60977956-G-A.
Other names: short protein forms E243K.
Identifiers: ClinVar variation 2202066 (VCV002202066.1), dbSNP rs2503610132, ClinGen allele CA390087937.
Genomic context (GRCh38, chr14:60,511,238, plus strand): 5'-GCCGCCAGTCTATCCAGCAAGGCGGCCACTTCAGCCATCTCCATCACGTCCAGCGACAGC[G>A]AGTGCGACATCTGAGTTGCCCATCCAGGATGCTCAGAAGCAGATTCCAGTGTAAAAACGA-3'
Protein context (NP_031400.2, residues 233-246): SAISITSSDS[Glu243Lys]CDI